The following is an entry in ClinVar:

ClinVar aggregate classification (germline): Uncertain significance. Review status: criteria provided, multiple submitters, no conflicts (2 of 4 stars). 2 submissions from 2 submitters: Uncertain significance (2). Last evaluated 2025-06-26.

Allele frequency attached by ClinVar (database versions not stated): TOPMed below 0.00001; gnomAD exomes 0.00001.
gnomAD v4.1: 19 of 1,614,002 alleles (0.0012%); highest among the groups gnomAD compares: Non-Finnish European, 0.0014%; no homozygotes.

Submissions (2):

Women's Health and Genetics/Laboratory Corporation of America, LabCorp
Classification: Uncertain significance. Last evaluated: 2025-06-26. Review status: criteria provided, single submitter. Criteria: LabCorp Variant Classification Summary - May 2015. Collection method: clinical testing. Allele origin: germline.
Comment: Variant summary: GHRHR c.520C>T (p.Leu174Phe) results in a non-conservative amino acid change in the encoded protein sequence. Algorithms developed to predict the effect of missense changes on protein structure and function are either unavailable or do not agree on the potential impact of this missense change. The variant was absent in 251468 control chromosomes. The available data on variant occurrences in the general population are insufficient to allow any conclusion about variant significance. To our knowledge, no occurrence of c.520C>T in individuals affected with Isolated growth hormone deficiency, type 4 and no experimental evidence demonstrating its impact on protein function have been reported. ClinVar contains an entry for this variant (Variation ID: 1970283). Based on the evidence outlined above, the variant was classified as uncertain significance.

Labcorp Genetics (formerly Invitae), Labcorp
Classification: Uncertain significance. Last evaluated: 2022-09-02. Review status: criteria provided, single submitter. Criteria: Invitae Variant Classification Sherloc (09022015). Collection method: clinical testing. Allele origin: germline.
Comment: This sequence change replaces leucine, which is neutral and non-polar, with phenylalanine, which is neutral and non-polar, at codon 174 of the GHRHR protein (p.Leu174Phe). In summary, the available evidence is currently insufficient to determine the role of this variant in disease. Therefore, it has been classified as a Variant of Uncertain Significance. Algorithms developed to predict the effect of missense changes on protein structure and function are either unavailable or do not agree on the potential impact of this missense change (SIFT: "Deleterious"; PolyPhen-2: "Probably Damaging"; Align-GVGD: "Class C15"). This variant has not been reported in the literature in individuals affected with GHRHR-related conditions. This variant is not present in population databases (gnomAD no frequency).

NM_000823.4(GHRHR):c.520C>T (p.Leu174Phe)

Gene: GHRHR (growth hormone releasing hormone receptor; plus strand). Cytogenetic location: 7p14.3.
Variant type: single nucleotide variant.
Coding change: c.520C>T on transcript NM_000823.4 (MANE Select); coding-DNA position 520, C replaced by T.
Protein change: p.Leu174Phe; replaces leucine 174 with phenylalanine.
Molecular consequence: missense variant.
Genome position (GRCh38, 1-based): chr7:30,972,018, C>T. VCF-style: chr7-30972018-C-T. GRCh37 (hg19) VCF-style: chr7-31011633-C-T.
Other names: short protein forms L174F.
Identifiers: ClinVar variation 1970283 (VCV001970283.6), dbSNP rs1003823188, ClinGen allele CA156114078.